The following is an entry in ClinVar:

ClinVar aggregate classification (germline): Uncertain significance. Review status: criteria provided, multiple submitters, no conflicts (2 of 4 stars). 3 submissions from 3 submitters: Uncertain significance (3). Last evaluated 2026-09-15.

Conditions:
TTN-related disorder. Also called: TTN-related condition; TTN-related disease; TTN-related disorders.
Autosomal recessive limb-girdle muscular dystrophy type 2J (LGMDR10). Also called: Limb-girdle muscular dystrophy, type 2J; MUSCULAR DYSTROPHY, LIMB-GIRDLE, AUTOSOMAL RECESSIVE 10. Identifiers: Orphanet 140922, MedGen C1837342, MONDO:0012127, OMIM 608807.
Dilated cardiomyopathy 1G (CMD1G). Identifiers: Orphanet 154, MedGen C1858763, MONDO:0011400, OMIM 604145.
Hypertrophic cardiomyopathy 9. Also called: Familial hypertrophic cardiomyopathy 9. Identifiers: MedGen C1861065, MONDO:0013412, OMIM 613765.
Myopathy, myofibrillar, 9, with early respiratory failure (MFM9). Also called: Hereditary myopathy with early respiratory failure; MYOPATHY, PROXIMAL, WITH EARLY RESPIRATORY MUSCLE INVOLVEMENT; EDSTROM MYOPATHY; Myopathy, distal, with early respiratory failure, autosomal dominant. Identifiers: Orphanet 178464, Orphanet 34521, MedGen C1863599, MONDO:0011362, OMIM 603689.
Tibial muscular dystrophy (TMD). Also called: Udd Distal Myopathy – Tibial Muscular Dystrophy; UDD MYOPATHY; Tibial muscular dystrophy, tardive. Identifiers: Orphanet 609, MedGen C1838244, MONDO:0010870, OMIM 600334.
Early-onset myopathy with fatal cardiomyopathy (CMYO5). Also called: Salih Myopathy; CONGENITAL MYOPATHY 5 WITH CARDIOMYOPATHY. Identifiers: Orphanet 289377, MedGen C2673677, MONDO:0012714, OMIM 611705. Disease mechanism: loss of function.

Allele frequency attached by ClinVar (database versions not stated): gnomAD 0.00001; ExAC 0.00002; TOPMed 0.00007; 1000 Genomes Project 30x 0.00031.
gnomAD v4.1: 9 of 1,613,372 alleles (0.00056%); highest among the groups gnomAD compares: African/African-American, 0.0067%; no homozygotes.

Submissions (3):

PreventionGenetics, part of Exact Sciences
Classification: Uncertain significance for TTN-related condition. Last evaluated: 2026-09-15. Review status: criteria provided, single submitter. Criteria: ACMG Guidelines, 2015. Collection method: clinical testing. Allele origin: germline.
Comment: The TTN c.36365-7T>C variant is predicted to interfere with splicing. To our knowledge, this variant has not been reported in the literature. This variant is reported in 0.021% of alleles in individuals of African descent in gnomAD. At this time, the clinical significance of this variant is uncertain due to the absence of conclusive functional and genetic evidence.

Fulgent Genetics
Classification: Uncertain significance for Tibial muscular dystrophy; Myopathy, myofibrillar, 9, with early respiratory failure; Dilated cardiomyopathy 1G; Autosomal recessive limb-girdle muscular dystrophy type 2J; Early-onset myopathy with fatal cardiomyopathy; Hypertrophic cardiomyopathy 9. Last evaluated: 2021-12-06. Review status: criteria provided, single submitter. Criteria: ACMG Guidelines, 2015. Collection method: clinical testing. Allele origin: unknown.

Labcorp Genetics (formerly Invitae), Labcorp
Classification: Uncertain significance for Dilated cardiomyopathy 1G; Autosomal recessive limb-girdle muscular dystrophy type 2J. Last evaluated: 2017-08-10. Review status: criteria provided, single submitter. Criteria: Invitae Variant Classification Sherloc (09022015). Collection method: clinical testing. Allele origin: germline.

NM_001267550.2(TTN):c.36365-7T>C

Gene: TTN (titin; minus strand). Cytogenetic location: 2q31.2.
Variant type: single nucleotide variant.
Coding change: c.36365-7T>C on transcript NM_001267550.2 (MANE Select); 7 bases into the intron before coding-DNA position 36365, T replaced by C.
Molecular consequence: intron variant.
Genome position (GRCh38, 1-based): chr2:178,663,909, A>G on the plus strand (T>C on the coding strand, the complement: TTN is on the minus strand). VCF-style: chr2-178663909-A-G. GRCh37 (hg19) VCF-style: chr2-179528636-A-G.
Other names: c.13283-21592T>C (NM_003319.4); c.13859-21592T>C (NM_133437.4); c.13658-21592T>C (NM_133432.3); c.31484-854T>C (NM_133378.4); c.34265-854T>C (NM_001256850.1).
Identifiers: ClinVar variation 467070 (VCV000467070.5), dbSNP rs746341489, ClinGen allele CA1997512.
Genomic context (GRCh38, chr2:178,663,909, plus strand): 5'-GAGGAGCCAAGGGCACTTTCTCTTCGCGGATAACCTCTTTGGAAGCTTCTGGCACTTGAA[A>G]GATATTAGTGAAATTACATTTAGGTGTTATGAAGACCGCTAGAAAAAAATATTGTCAAGA-3'